The following is an entry in ClinVar:

ClinVar aggregate classification (germline): Pathogenic (1 of 4 stars; one submission).

Conditions:
Familial thoracic aortic aneurysm and aortic dissection (TAAD). Also called: Thoracic aortic aneurysms and dissections. Identifiers: Orphanet 91387, MedGen C4707243, MONDO:0019625.
Marfan syndrome (MFS). Also called: Marfan syndrome type 1; Marfan's syndrome; Marfan syndrome, classic; MARFAN SYNDROME, TYPE I; FBN1-Related Marfan Syndrome. Identifiers: Orphanet 284963, Orphanet 558, MedGen C0024796, MONDO:0007947, OMIM 154700.

Submission:

Labcorp Genetics (formerly Invitae), Labcorp
Classification: Pathogenic for Marfan syndrome; Familial thoracic aortic aneurysm and aortic dissection. Last evaluated: 2022-03-19. Review status: criteria provided, single submitter. Criteria: Invitae Variant Classification Sherloc (09022015). Collection method: clinical testing. Allele origin: germline.
Comment: For these reasons, this variant has been classified as Pathogenic. ClinVar contains an entry for this variant (Variation ID: 1071953). This variant has not been reported in the literature in individuals affected with FBN1-related conditions. This variant is not present in population databases (gnomAD no frequency). This sequence change creates a premature translational stop signal (p.Leu208Serfs*122) in the FBN1 gene. It is expected to result in an absent or disrupted protein product. Loss-of-function variants in FBN1 are known to be pathogenic (PMID: 17657824, 19293843).

Literature cited by the submitters: PubMed 17657824; PubMed 19293843.

NM_000138.5(FBN1):c.621del (p.Leu208fs)

Gene: FBN1 (fibrillin 1; minus strand). Cytogenetic location: 15q21.1.
Variant type: Deletion.
Coding change: c.621del on transcript NM_000138.5 (MANE Select); coding-DNA position 621, one base deleted (G; older notation c.621delG).
Protein change: p.Leu208fs; shifts the reading frame from leucine 208.
Molecular consequence: frameshift variant.
Genome position (GRCh38, 1-based): chr15:48,537,726, C deleted on the plus strand (G on the coding strand, the reverse complement: FBN1 is on the minus strand). VCF-style (leftmost placement, unchanged base first): chr15-48537725-GC-G. GRCh37 (hg19) VCF-style: chr15-48829922-GC-G.
Other names: short protein forms L208fs.
Identifiers: ClinVar variation 1071953 (VCV001071953.7), dbSNP rs2141358303, ClinGen allele CA2499223016.